The following is an entry in ClinVar:

NM_138413.4(HOGA1):c.785G>A (p.Trp262Ter)

Gene: HOGA1 (4-hydroxy-2-oxoglutarate aldolase 1; plus strand). Cytogenetic location: 10q24.2.
Variant type: single nucleotide variant.
Coding change: c.785G>A on transcript NM_138413.4 (MANE Select); coding-DNA position 785, G replaced by A.
Protein change: p.Trp262Ter; replaces tryptophan 262 with a stop codon.
Molecular consequence: nonsense.
Genome position (GRCh38, 1-based): chr10:97,601,941, G>A. VCF-style: chr10-97601941-G-A. GRCh37 (hg19) VCF-style: chr10-99361698-G-A.
Other names: c.296G>A, p.Trp99Ter (NM_001134670.2); short protein forms W262*, W99*.
Identifiers: ClinVar variation 2664403 (VCV002664403.1), dbSNP rs377638985, ClinGen allele CA5634241.

ClinVar aggregate classification (germline): Likely pathogenic (1 of 4 stars; one submission).

Conditions:
Primary hyperoxaluria type 3. Also called: PH III. Identifiers: Orphanet 416, Orphanet 93600, MedGen C3150878, MONDO:0013327, OMIM 613616. Disease mechanism: loss of function.

Allele frequency attached by ClinVar (database versions not stated): ExAC 0.00002; gnomAD 0.00002; TOPMed 0.00002; ESP Exome Variant Server 0.00008.
gnomAD v4.1: 3 of 1,613,144 alleles (0.00019%); highest among the groups gnomAD compares: African/African-American, 0.004%; no homozygotes.

Submission:

Clinical Biochemistry Laboratory, Health Services Laboratory
Classification: Likely pathogenic for Primary hyperoxaluria type 3. Last evaluated: 2023-10-27. Review status: criteria provided, single submitter. Criteria: ACMG Guidelines, 2015. Collection method: curation. Allele origin: germline.
Comment: ACMG:PVS1 PM2 PP3